The following is an entry in ClinVar:

NM_006231.4(POLE):c.6167C>T (p.Ala2056Val)

Gene: POLE (DNA polymerase epsilon, catalytic subunit; minus strand). Cytogenetic location: 12q24.33.
Variant type: single nucleotide variant.
Coding change: c.6167C>T on transcript NM_006231.4 (MANE Select); coding-DNA position 6167, C replaced by T.
Protein change: p.Ala2056Val; replaces alanine 2056 with valine.
Molecular consequence: missense variant.
Genome position (GRCh38, 1-based): chr12:132,632,478, G>A on the plus strand (C>T on the coding strand, the complement: POLE is on the minus strand). VCF-style: chr12-132632478-G-A. GRCh37 (hg19) VCF-style: chr12-133209064-G-A.
Other names: c.6167C>T (NM_006231.2); short protein forms A2056V.
Identifiers: ClinVar variation 2866757 (VCV002866757.4), dbSNP rs2541854642, ClinGen allele CA387369934.

ClinVar aggregate classification (germline): Uncertain significance. Review status: criteria provided, multiple submitters, no conflicts (2 of 4 stars). 2 submissions from 2 submitters: Uncertain significance (2). Last evaluated 2025-09-15.

Conditions:
Hereditary cancer-predisposing syndrome. Also called: Neoplastic Syndromes, Hereditary; Hereditary Cancer Syndrome; Hereditary neoplastic syndrome; Tumor predisposition. Identifiers: Orphanet 140162, MedGen C0027672, MeSH D009386, MONDO:0015356.

Submissions (2):

Ambry Genetics
Classification: Uncertain significance for Hereditary cancer-predisposing syndrome. Last evaluated: 2025-09-15. Review status: criteria provided, single submitter. Criteria: Ambry Variant Classification Scheme 2023. Collection method: clinical testing. Allele origin: germline.
Comment: The p.A2056V variant (also known as c.6167C>T), located in coding exon 45 of the POLE gene, results from a C to T substitution at nucleotide position 6167. The alanine at codon 2056 is replaced by valine, an amino acid with similar properties. This amino acid position is well conserved in available vertebrate species. In addition, this alteration is predicted to be tolerated by in silico analysis. Based on the available evidence, the clinical significance of this variant remains unclear.

Labcorp Genetics (formerly Invitae), Labcorp
Classification: Uncertain significance. Last evaluated: 2023-05-22. Review status: criteria provided, single submitter. Criteria: Invitae Variant Classification Sherloc (09022015). Collection method: clinical testing. Allele origin: germline.
Comment: This variant is not present in population databases (gnomAD no frequency). This sequence change replaces alanine, which is neutral and non-polar, with valine, which is neutral and non-polar, at codon 2056 of the POLE protein (p.Ala2056Val). This variant has not been reported in the literature in individuals affected with POLE-related conditions. Advanced modeling of protein sequence and biophysical properties (such as structural, functional, and spatial information, amino acid conservation, physicochemical variation, residue mobility, and thermodynamic stability) performed at Invitae indicates that this missense variant is not expected to disrupt POLE protein function. In summary, the available evidence is currently insufficient to determine the role of this variant in disease. Therefore, it has been classified as a Variant of Uncertain Significance.